The following is an entry in ClinVar:

ClinVar aggregate classification (germline): Uncertain significance. Review status: criteria provided, multiple submitters, no conflicts (2 of 4 stars). 2 submissions from 2 submitters: Uncertain significance (2). Last evaluated 2025-10-18.

Conditions:
Hereditary cancer-predisposing syndrome. Also called: Neoplastic Syndromes, Hereditary; Tumor predisposition; Hereditary neoplastic syndrome; Hereditary Cancer Syndrome. Identifiers: Orphanet 140162, MedGen C0027672, MeSH D009386, MONDO:0015356.

gnomAD v4.1: 1 of 1,614,106 alleles (0.000062%); highest among the groups gnomAD compares: Non-Finnish European, 0.000085%; no homozygotes.

Submissions (2):

Dasa
Classification: Uncertain significance. Last evaluated: 2025-10-18. Review status: criteria provided, single submitter. Criteria: DASA Assertion Criteria. Collection method: clinical testing. Allele origin: germline.
Comment: NM_002354.3(EPCAM):c.770C>T (p.Pro257Leu) is a missense variant that results in the substitution of proline with leucine. This variant has been observed in affected individuals with related phenotype in a genotype context consistent with recessive disease. The variant is present at low frequency in population datasets. Based on the available data, this variant is classified as variant of uncertain significance.

Ambry Genetics
Classification: Uncertain significance for Hereditary cancer-predisposing syndrome. Last evaluated: 2025-04-20. Review status: criteria provided, single submitter. Criteria: Ambry Variant Classification Scheme 2023. Collection method: clinical testing. Allele origin: germline.
Comment: The p.P257L variant (also known as c.770C>T), located in coding exon 7 of the EPCAM gene, results from a C to T substitution at nucleotide position 770. The proline at codon 257 is replaced by leucine, an amino acid with similar properties. This amino acid position is conserved. In addition, the in silico prediction for this alteration is inconclusive. Based on the available evidence, the clinical significance of this variant remains unclear.

NM_002354.3(EPCAM):c.770C>T (p.Pro257Leu)

Gene: EPCAM (epithelial cell adhesion molecule; plus strand). Cytogenetic location: 2p21.
Variant type: single nucleotide variant.
Coding change: c.770C>T on transcript NM_002354.3 (MANE Select); coding-DNA position 770, C replaced by T.
Protein change: p.Pro257Leu; replaces proline 257 with leucine.
Molecular consequence: missense variant.
Genome position (GRCh38, 1-based): chr2:47,379,881, C>T. VCF-style: chr2-47379881-C-T. GRCh37 (hg19) VCF-style: chr2-47607020-C-T.
Other names: short protein forms P257L.
Identifiers: ClinVar variation 4018569 (VCV004018569.2).